The following is an entry in ClinVar:

ClinVar aggregate classification (germline): Uncertain significance (1 of 4 stars; one submission).

Allele frequency attached by ClinVar (database versions not stated): gnomAD exomes 0.00001.
gnomAD v4.1: 4 of 1,614,144 alleles (0.00025%); highest among the groups gnomAD compares: South Asian, 0.0022%; no homozygotes.

Submission:

Labcorp Genetics (formerly Invitae), Labcorp
Classification: Uncertain significance. Last evaluated: 2022-05-06. Review status: criteria provided, single submitter. Criteria: Invitae Variant Classification Sherloc (09022015). Collection method: clinical testing. Allele origin: germline.
Comment: This sequence change replaces proline, which is neutral and non-polar, with leucine, which is neutral and non-polar, at codon 383 of the DEAF1 protein (p.Pro383Leu). In summary, the available evidence is currently insufficient to determine the role of this variant in disease. Therefore, it has been classified as a Variant of Uncertain Significance. Advanced modeling of protein sequence and biophysical properties (such as structural, functional, and spatial information, amino acid conservation, physicochemical variation, residue mobility, and thermodynamic stability) performed at Invitae indicates that this missense variant is not expected to disrupt DEAF1 protein function. This variant has not been reported in the literature in individuals affected with DEAF1-related conditions. This variant is present in population databases (no rsID available, gnomAD 0.006%).

NM_021008.4(DEAF1):c.1148C>T (p.Pro383Leu)

Gene: DEAF1 (DEAF1 transcription factor; minus strand). Cytogenetic location: 11p15.5.
Variant type: single nucleotide variant.
Coding change: c.1148C>T on transcript NM_021008.4 (MANE Select); coding-DNA position 1148, C replaced by T.
Protein change: p.Pro383Leu; replaces proline 383 with leucine.
Molecular consequence: missense variant.
Genome position (GRCh38, 1-based): chr11:678,801, G>A on the plus strand (C>T on the coding strand, the complement: DEAF1 is on the minus strand). VCF-style: chr11-678801-G-A. GRCh37 (hg19) VCF-style: chr11-678801-G-A.
Other names: c.881C>T, p.Pro294Leu (NM_001293634.2); c.422C>T, p.Pro141Leu (NM_001367390.1); short protein forms P294L, P383L, P141L.
Identifiers: ClinVar variation 2184800 (VCV002184800.4), dbSNP rs1416347945, ClinGen allele CA378925661.